The following is an entry in ClinVar:

ClinVar aggregate classification (germline): Uncertain significance. Review status: criteria provided, multiple submitters, no conflicts (2 of 4 stars). 2 submissions from 2 submitters: Uncertain significance (2). Last evaluated 2025-02-17.

Conditions:
Nemaline myopathy 2 (NEM2). Also called: Nemaline myopathy 2, autosomal recessive. Identifiers: MedGen C1850569, MONDO:0009725, OMIM 256030.

Allele frequency attached by ClinVar (database versions not stated): gnomAD exomes below 0.00001.
gnomAD v4.1: 5 of 1,613,706 alleles (0.00031%); highest among the groups gnomAD compares: Non-Finnish European, 0.00042%; no homozygotes.

Submissions (2):

Revvity Omics, Revvity
Classification: Uncertain significance. Last evaluated: 2025-02-17. Review status: criteria provided, single submitter. Criteria: ACMG Guidelines, 2015. Collection method: clinical testing. Allele origin: germline.

Labcorp Genetics (formerly Invitae), Labcorp
Classification: Uncertain significance for Nemaline myopathy 2. Last evaluated: 2021-06-18. Review status: criteria provided, single submitter. Criteria: Invitae Variant Classification Sherloc (09022015). Collection method: clinical testing. Allele origin: germline.
Comment: This sequence change replaces isoleucine with phenylalanine at codon 3535 of the NEB protein (p.Ile3535Phe). The isoleucine residue is moderately conserved and there is a small physicochemical difference between isoleucine and phenylalanine. This variant is not present in population databases (ExAC no frequency). This variant has not been reported in the literature in individuals with NEB-related conditions. Algorithms developed to predict the effect of missense changes on protein structure and function are either unavailable or do not agree on the potential impact of this missense change (SIFT: "Deleterious"; PolyPhen-2: "Not Available"; Align-GVGD: "Class C0"). In summary, the available evidence is currently insufficient to determine the role of this variant in disease. Therefore, it has been classified as a Variant of Uncertain Significance.

NM_001164508.2(NEB):c.10603A>T (p.Ile3535Phe)

Gene: NEB (nebulin; minus strand). Cytogenetic location: 2q23.3.
Variant type: single nucleotide variant.
Coding change: c.10603A>T on transcript NM_001164508.2 (MANE Select); coding-DNA position 10603, A replaced by T.
Protein change: p.Ile3535Phe; replaces isoleucine 3535 with phenylalanine.
Molecular consequence: missense variant.
Genome position (GRCh38, 1-based): chr2:151,619,720, T>A on the plus strand (A>T on the coding strand, the complement: NEB is on the minus strand). VCF-style: chr2-151619720-T-A. GRCh37 (hg19) VCF-style: chr2-152476234-T-A.
Other names: c.10603A>T, p.Ile3535Phe (NM_001164507.2, NM_001271208.2); c.9874A>T, p.Ile3292Phe (NM_004543.5); short protein forms I3292F, I3535F.
Identifiers: ClinVar variation 2143763 (VCV002143763.2), dbSNP rs2552232849, ClinGen allele CA348788729.